The following is an entry in ClinVar:

ClinVar aggregate classification (germline): Uncertain significance (1 of 4 stars; one submission).

Conditions:
Cardiovascular phenotype. Identifiers: MedGen CN230736.

Submission:

Ambry Genetics
Classification: Uncertain significance for Cardiovascular phenotype. Last evaluated: 2026-05-15. Review status: criteria provided, single submitter. Criteria: Ambry Variant Classification Scheme 2023. Collection method: clinical testing. Allele origin: germline.
Comment: The p.E1058* variant (also known as c.3172G>T), located in coding exon 22 of the MYH6 gene, results from a G to T substitution at nucleotide position 3172. This changes the amino acid from a glutamic acid to a stop codon within coding exon 22. This variant is expected to result in protein truncation or nonsense-mediated mRNA decay. However, loss of function has not been established as a mechanism of disease. Based on the available evidence, the clinical significance of this variant remains unclear.

NM_002471.4(MYH6):c.3172G>T (p.Glu1058Ter)

Gene: MYH6 (myosin heavy chain 6; minus strand). Cytogenetic location: 14q11.2.
Variant type: single nucleotide variant.
Coding change: c.3172G>T on transcript NM_002471.4 (MANE Select); coding-DNA position 3172, G replaced by T.
Protein change: p.Glu1058Ter; replaces glutamic acid 1058 with a stop codon.
Molecular consequence: nonsense.
Genome position (GRCh38, 1-based): chr14:23,392,991, C>A on the plus strand (G>T on the coding strand, the complement: MYH6 is on the minus strand). VCF-style: chr14-23392991-C-A. GRCh37 (hg19) VCF-style: chr14-23862200-C-A.
Other names: short protein forms E1058*.
Identifiers: ClinVar variation 4860566 (VCV004860566.1).